The following is an entry in ClinVar:

NM_172362.3(KCNH1):c.2728G>T (p.Val910Phe)

Gene: KCNH1 (potassium voltage-gated channel subfamily H member 1; minus strand). Cytogenetic location: 1q32.2.
Variant type: single nucleotide variant.
Coding change: c.2728G>T on transcript NM_172362.3 (MANE Select); coding-DNA position 2728, G replaced by T.
Protein change: p.Val910Phe; replaces valine 910 with phenylalanine.
Molecular consequence: missense variant.
Genome position (GRCh38, 1-based): chr1:210,683,523, C>A on the plus strand (G>T on the coding strand, the complement: KCNH1 is on the minus strand). VCF-style: chr1-210683523-C-A. GRCh37 (hg19) VCF-style: chr1-210856865-C-A.
Other names: c.2647G>T, p.Val883Phe (NM_002238.4); short protein forms V883F, V910F.
Identifiers: ClinVar variation 2803046 (VCV002803046.3), dbSNP rs1203949281, ClinGen allele CA344870554.
Genomic context (GRCh38, chr1:210,683,523, plus strand): 5'-TCACCTCCAGGACTGTGGCCTGCAGCGTCTGCTCAGGGATGGGGTAGAACGAATGCTTGA[C>A]CTCTGCCAGGATGGGACTCCGATCCTGGGGACTCCTGGCCTCACCCACGTTGTCCAGGCG-3'
Protein context (NP_758872.1, residues 900-920): PQDRSPILAE[Val910Phe]KHSFYPIPEQ

ClinVar aggregate classification (germline): Uncertain significance (1 of 4 stars; one submission).

Allele frequency attached by ClinVar (database versions not stated): gnomAD 0.00001.
gnomAD v4.1: 5 of 1,614,010 alleles (0.00031%); highest among the groups gnomAD compares: African/African-American, 0.0013%; no homozygotes.

Submission:

Labcorp Genetics (formerly Invitae), Labcorp
Classification: Uncertain significance. Last evaluated: 2022-12-12. Review status: criteria provided, single submitter. Criteria: Invitae Variant Classification Sherloc (09022015). Collection method: clinical testing. Allele origin: germline.
Comment: This variant is present in population databases (no rsID available, gnomAD 0.004%). This sequence change replaces valine, which is neutral and non-polar, with phenylalanine, which is neutral and non-polar, at codon 910 of the KCNH1 protein (p.Val910Phe). This variant has not been reported in the literature in individuals affected with KCNH1-related conditions. Advanced modeling of protein sequence and biophysical properties (such as structural, functional, and spatial information, amino acid conservation, physicochemical variation, residue mobility, and thermodynamic stability) performed at Invitae indicates that this missense variant is not expected to disrupt KCNH1 protein function. In summary, the available evidence is currently insufficient to determine the role of this variant in disease. Therefore, it has been classified as a Variant of Uncertain Significance.